The following is an entry in ClinVar:

ClinVar aggregate classification (germline): Conflicting classifications of pathogenicity. Review status: criteria provided, conflicting classifications (1 of 4 stars). 2 submissions from 2 submitters: Uncertain significance (1); Likely benign (1). Last evaluated 2025-10-23.

Conditions:
Hereditary cancer-predisposing syndrome. Also called: Hereditary Cancer Syndrome; Neoplastic Syndromes, Hereditary; Hereditary neoplastic syndrome; Tumor predisposition. Identifiers: Orphanet 140162, MedGen C0027672, MeSH D009386, MONDO:0015356.

Submissions (2):

Ambry Genetics
Classification: Uncertain significance for Hereditary cancer-predisposing syndrome. Last evaluated: 2025-10-23. Review status: criteria provided, single submitter. Criteria: Ambry Variant Classification Scheme 2023. Collection method: clinical testing. Allele origin: germline.
Comment: The p.R959S variant (also known as c.2877A>C), located in coding exon 9 of the BRCA1 gene, results from an A to C substitution at nucleotide position 2877. The arginine at codon 959 is replaced by serine, an amino acid with dissimilar properties. This amino acid position is not well conserved in available vertebrate species. In addition, the in silico prediction for this alteration is inconclusive. Since supporting evidence is limited at this time, the clinical significance of this alteration remains unclear.

University of Washington Department of Laboratory Medicine, University of Washington
Classification: Likely benign for Hereditary cancer-predisposing syndrome. Last evaluated: 2023-03-23. Review status: criteria provided, single submitter. Criteria: Dines et al. (Genet Med. 2020). Collection method: curation. Allele origin: germline.
Comment: Missense variant in a coldspot region where missense variants are very unlikely to be pathogenic (PMID:31911673).

BRCA1 coldspot (exon 11 using historical exon numbering). Reclassification based on statistical prior probability

NM_007294.4(BRCA1):c.2877A>C (p.Arg959Ser)

Gene: BRCA1 (BRCA1 DNA repair associated; minus strand). Cytogenetic location: 17q21.31.
Variant type: single nucleotide variant.
Coding change: c.2877A>C on transcript NM_007294.4 (MANE Select); coding-DNA position 2877, A replaced by C.
Protein change: p.Arg959Ser; replaces arginine 959 with serine.
Molecular consequence: missense variant. On other transcripts: intron variant (137).
Genome position (GRCh38, 1-based): chr17:43,092,654, T>G on the plus strand (A>C on the coding strand, the complement: BRCA1 is on the minus strand). VCF-style: chr17-43092654-T-G. GRCh37 (hg19) VCF-style: chr17-41244671-T-G.
Other names: c.2751A>C, p.Arg917Ser (NM_001407685.1, NM_001407686.1, NM_001407687.1 and 11 more transcripts); c.2736A>C, p.Arg912Ser (NM_001407692.1, NM_001407694.1, NM_001407695.1 and 29 more transcripts); c.2733A>C, p.Arg911Ser (NM_001407740.1, NM_001407741.1, NM_001407742.1 and 20 more transcripts); c.2664A>C, p.Arg888Ser (NM_001407853.1, NM_001407894.1, NM_001407895.1 and 9 more transcripts); c.2877A>C, p.Arg959Ser (NM_001407854.1, NM_001407858.1, NM_001407859.1 and 30 more transcripts); c.2874A>C, p.Arg958Ser (NM_001407860.1, NM_001407861.1, NM_001407587.1 and 22 more transcripts); c.2676A>C, p.Arg892Ser (NM_001407862.1); c.2754A>C, p.Arg918Ser (NM_001407863.1, NM_001407919.1, NM_001407937.1 and 19 more transcripts); and 41 more; short protein forms R959S, R912S, R663S, R871S, R911S, R870S, R889S, R891S.
Identifiers: ClinVar variation 142819 (VCV000142819.9), dbSNP rs587782743, ClinGen allele CA001877.